The following is an entry in ClinVar:

ClinVar aggregate classification (germline): Benign/Likely benign. Review status: criteria provided, multiple submitters, no conflicts (2 of 4 stars). 13 submissions from 13 submitters: Benign (5); Likely benign (4). 4 of the submissions do not count toward it. Last evaluated 2025-12-19.

Conditions:
Cardiovascular phenotype. Identifiers: MedGen CN230736.
Long QT syndrome (LQTS). Identifiers: MedGen C0023976, MeSH D008133, MONDO:0002442. Disease mechanism: loss of function. Inheritance: Various modes of inheritance.
ANK2-related disorder. Also called: ANK2-related condition.
Cardiac arrhythmia, ankyrin-B-related. Also called: ANKYRIN-B SYNDROME. Identifiers: Orphanet 101016, Orphanet 768, MedGen C1970119, MONDO:0010958, OMIM 600919.

Allele frequency attached by ClinVar (database versions not stated): ESP Exome Variant Server 0.00015; gnomAD 0.00018 and 0.00027; 1000 Genomes Project 0.00020; TOPMed 0.00020; gnomAD exomes 0.00035 and 0.00064; 1000 Genomes Project 30x 0.00047; ExAC 0.00069.
gnomAD v4.1: 564 of 1,614,018 alleles (0.035%); highest among the groups gnomAD compares: South Asian, 0.4%; 7 homozygotes.

Submissions (13):

Labcorp Genetics (formerly Invitae), Labcorp
Classification: Benign for Long QT syndrome. Last evaluated: 2025-12-19. Review status: criteria provided, single submitter. Criteria: Invitae Variant Classification Sherloc (09022015). Collection method: clinical testing. Allele origin: germline.

Blueprint Genetics
Classification: Likely benign. Last evaluated: 2024-10-21. Review status: criteria provided, single submitter. Criteria: ACMG Guidelines, 2015. Collection method: clinical testing. Allele origin: germline.

CeGaT Center for Human Genetics Tuebingen
Classification: Likely benign. Last evaluated: 2023-02-01. Review status: criteria provided, single submitter. Criteria: CeGaT Center For Human Genetics Tuebingen Variant Classification Criteria Version 2. Collection method: clinical testing. Allele origin: germline. Affected: yes. Observed: 1 variant allele.
Comment: ANK2: BP4, BP7

Genome-Nilou Lab
Classification: Benign for Cardiac arrhythmia, ankyrin-B-related. Last evaluated: 2021-12-05. Review status: criteria provided, single submitter. Criteria: ACMG Guidelines, 2015. Collection method: clinical testing. Allele origin: germline. Affected: no.

GeneDx
Classification: Likely benign. Last evaluated: 2021-04-07. Review status: criteria provided, single submitter. Criteria: GeneDx Variant Classification Process June 2021. Collection method: clinical testing. Allele origin: germline. Affected: yes.

Ambry Genetics
Classification: Benign for Cardiovascular phenotype. Last evaluated: 2019-04-22. Review status: criteria provided, single submitter. Criteria: Ambry Variant Classification Scheme 2023. Collection method: clinical testing. Allele origin: germline.

ARUP Laboratories, Molecular Genetics and Genomics, ARUP Laboratories
Classification: Benign. Last evaluated: 2018-05-15. Review status: criteria provided, single submitter. Criteria: ARUP Molecular Germline Variant Investigation Process. Collection method: clinical testing. Allele origin: germline.

Women's Health and Genetics/Laboratory Corporation of America, LabCorp
Classification: Benign. Last evaluated: 2018-03-26. Review status: criteria provided, single submitter. Criteria: LabCorp Variant Classification Summary - May 2015. Collection method: clinical testing. Allele origin: germline.
Comment: Variant summary: ANK2 c.6633C>T alters a non-conserved nucleotide resulting in a synonymous change. 5/5 computational tools predict no significant impact on normal splicing. However, these predictions have yet to be confirmed by functional studies. The variant allele was found at a frequency of 0.00058 in 276042 control chromosomes, predominantly at a frequency of 0.0041 within the South Asian subpopulation in the gnomAD database, including 3 homozygotes. The observed variant frequency within South Asian control individuals in the gnomAD database is approximately 410 fold of the estimated maximal expected allele frequency for a pathogenic variant in ANK2 causing Arrhythmia phenotype (1e-05), strongly suggesting that the variant is a benign polymorphism found primarily in populations of South Asian origin. To our knowledge, no occurrence of c.6633C>T in individuals affected with Arrhythmia and no experimental evidence demonstrating its impact on protein function have been reported. One clinical diagnostic laboratory has submitted clinical-significance assessments for this variant to ClinVar after 2014 without evidence for independent evaluation. One laboratory classified the variant as benign. Based on the evidence outlined above, the variant was classified as benign.

Illumina Laboratory Services, Illumina
Classification: Likely benign for Cardiac arrhythmia, ankyrin-B-related. Last evaluated: 2018-01-13. Review status: criteria provided, single submitter. Criteria: ICSL Variant Classification Criteria 13 December 2019. Collection method: clinical testing. Allele origin: germline.
Comment: This variant was observed in the ICSL laboratory as part of a predisposition screen in an ostensibly healthy population. It had not been previously curated by ICSL or reported in the Human Gene Mutation Database (HGMD: prior to June 1st, 2018), and was therefore a candidate for classification through an automated scoring system. Utilizing variant allele frequency, disease prevalence and penetrance estimates, and inheritance mode, an automated score was calculated to assess if this variant is too frequent to cause the disease. Based on the score and internal cut-off values, a variant classified as likely benign is not then subjected to further curation. The score for this variant resulted in a classification of likely benign for this disease.

PreventionGenetics, part of Exact Sciences
Classification: Benign for ANK2-related condition. Last evaluated: 2021-10-27. Review status: no assertion criteria provided. Collection method: clinical testing. Allele origin: germline. Not counted in ClinVar's aggregate classification.
Comment: This variant is classified as benign based on ACMG/AMP sequence variant interpretation guidelines (Richards et al. 2015 PMID: 25741868, with internal and published modifications).

Clinical Genetics, Academic Medical Center
Classification: Benign. Review status: no assertion criteria provided. Collection method: clinical testing. Allele origin: germline. Affected: yes. Study: VKGL Data-share Consensus. Not counted in ClinVar's aggregate classification.

Genome Diagnostics Laboratory, University Medical Center Utrecht
Classification: Likely benign. Review status: no assertion criteria provided. Collection method: clinical testing. Allele origin: germline. Affected: yes. Study: VKGL Data-share Consensus. Not counted in ClinVar's aggregate classification.

Joint Genome Diagnostic Labs from Nijmegen and Maastricht, Radboudumc and MUMC+
Classification: Likely benign. Review status: no assertion criteria provided. Collection method: clinical testing. Allele origin: germline. Affected: yes. Study: VKGL Data-share Consensus. Not counted in ClinVar's aggregate classification.

NM_001148.6(ANK2):c.6633C>T (p.Ala2211=)

Gene: ANK2 (ankyrin 2; plus strand). Cytogenetic location: 4q26.
Variant type: single nucleotide variant.
Coding change: c.6633C>T on transcript NM_001148.6 (MANE Select); coding-DNA position 6633, C replaced by T.
Protein change: p.Ala2211=; no amino-acid change (alanine 2211 retained).
Molecular consequence: synonymous variant. On other transcripts: intron variant (68).
Genome position (GRCh38, 1-based): chr4:113,355,251, C>T. VCF-style: chr4-113355251-C-T. GRCh37 (hg19) VCF-style: chr4-114276407-C-T.
Other names: c.6399C>T, p.Ala2133= (NM_001386142.1); c.3033C>T, p.Ala1011= (NM_001386166.1); c.6774C>T, p.Ala2258= (NM_001386174.1); c.6750C>T, p.Ala2250= (NM_001386175.1); c.4411+5002C>T (NM_001386186.2, NM_001386148.2); c.4213+5002C>T (NM_001354269.3); c.4291+5002C>T (NM_001386187.2); c.4252+5002C>T (NM_001386147.1); and 35 more.
Identifiers: ClinVar variation 238584 (VCV000238584.55), dbSNP rs143516811, ClinGen allele CA3051445.
Genomic context (GRCh38, chr4:113,355,251, plus strand): 5'-GTCTTTACAAAGCGGTGCTTTAGATGGCAGTTCTGAAAGCCTAAAGAATGAGGGGGTAGC[C>T]GGCTCTCCGTGTGGCAGCCTGATGGAGGGGACCCCTCAGATTAGTTCAGAAGAAAGCTAT-3'
Protein context (NP_001139.3, residues 2201-2221): SSESLKNEGV[Ala2211=]GSPCGSLMEG